The following is an entry in ClinVar:

NM_144585.4(SLC22A12):c.1626G>A (p.Thr542=)

Gene: SLC22A12 (solute carrier family 22 member 12; plus strand). Cytogenetic location: 11q13.1.
Variant type: single nucleotide variant.
Coding change: c.1626G>A on transcript NM_144585.4 (MANE Select); coding-DNA position 1626, G replaced by A.
Protein change: p.Thr542=; no amino-acid change (threonine 542 retained).
Molecular consequence: synonymous variant.
Genome position (GRCh38, 1-based): chr11:64,601,515, G>A. VCF-style: chr11-64601515-G-A. GRCh37 (hg19) VCF-style: chr11-64368987-G-A.
Other names: c.1524G>A, p.Thr508= (NM_001276326.2); c.1302G>A, p.Thr434= (NM_001276327.2); c.963G>A, p.Thr321= (NM_153378.3).
Identifiers: ClinVar variation 305250 (VCV000305250.39), dbSNP rs143053863, ClinGen allele CA6077524.

ClinVar aggregate classification (germline): Conflicting classifications of pathogenicity. Review status: criteria provided, conflicting classifications (1 of 4 stars). 5 submissions from 5 submitters: Uncertain significance (1); Likely benign (4). Last evaluated 2026-04-08.

Conditions:
SLC22A12-related disorder. Also called: SLC22A12-related condition.
Dalmatian hypouricemia (RHUC1). Identifiers: MedGen C0473219, MONDO:0020728, OMIM 220150.

Allele frequency attached by ClinVar (database versions not stated): 1000 Genomes Project 0.00020; 1000 Genomes Project 30x 0.00047; TOPMed 0.00056; gnomAD exomes 0.00080 and 0.00087; ESP Exome Variant Server 0.00092; ExAC 0.00101.

Submissions (5):

PreventionGenetics, part of Exact Sciences
Classification: Likely benign for SLC22A12-related condition. Last evaluated: 2026-04-08. Review status: criteria provided, single submitter. Criteria: ACMG Guidelines, 2015. Collection method: clinical testing. Allele origin: germline.
Comment: This variant is classified as likely benign based on ACMG/AMP sequence variant interpretation guidelines (Richards et al. 2015 PMID: 25741868, with internal and published modifications).

Labcorp Genetics (formerly Invitae), Labcorp
Classification: Likely benign. Last evaluated: 2025-10-28. Review status: criteria provided, single submitter. Criteria: Invitae Variant Classification Sherloc (09022015). Collection method: clinical testing. Allele origin: germline.

Blueprint Genetics
Classification: Likely benign. Last evaluated: 2024-11-17. Review status: criteria provided, single submitter. Criteria: ACMG Guidelines, 2015. Collection method: clinical testing. Allele origin: germline.

CeGaT Center for Human Genetics Tuebingen
Classification: Likely benign. Last evaluated: 2023-03-01. Review status: criteria provided, single submitter. Criteria: CeGaT Center For Human Genetics Tuebingen Variant Classification Criteria Version 2. Collection method: clinical testing. Allele origin: germline. Affected: yes. Observed: 2 variant alleles.
Comment: SLC22A12: BP4, BP7

Illumina Laboratory Services, Illumina
Classification: Uncertain significance for Dalmatian hypouricemia. Last evaluated: 2018-01-12. Review status: criteria provided, single submitter. Criteria: ICSL Variant Classification Criteria 13 December 2019. Collection method: clinical testing. Allele origin: germline.